The following is an entry in ClinVar:

NM_020320.5(RARS2):c.407T>C (p.Val136Ala)

Gene: RARS2 (arginyl-tRNA synthetase 2, mitochondrial; minus strand). Cytogenetic location: 6q15.
Variant type: single nucleotide variant.
Coding change: c.407T>C on transcript NM_020320.5 (MANE Select); coding-DNA position 407, T replaced by C.
Protein change: p.Val136Ala; replaces valine 136 with alanine.
Molecular consequence: missense variant. On other transcripts: 5 prime UTR variant (5), non-coding transcript variant (15), intron variant (2).
Genome position (GRCh38, 1-based): chr6:87,548,635, A>G on the plus strand (T>C on the coding strand, the complement: RARS2 is on the minus strand). VCF-style: chr6-87548635-A-G. GRCh37 (hg19) VCF-style: chr6-88258353-A-G.
Other names: c.407T>C, p.Val136Ala (NM_001350505.2); c.-119T>C (NM_001350506.2, NM_001350507.2, NM_001350508.2 and 2 more transcripts); c.-74-2936T>C (NM_001350509.2, NM_001318785.2); short protein forms V136A.
Identifiers: ClinVar variation 374254 (VCV000374254.6), dbSNP rs1057519014, ClinGen allele CA16043616.

ClinVar aggregate classification (germline): Conflicting classifications of pathogenicity. Review status: criteria provided, conflicting classifications (1 of 4 stars). 4 submissions from 4 submitters: Pathogenic (1); Uncertain significance (2). 1 of the submissions does not count toward it. Last evaluated 2026-02-20.

Conditions:
Severe intellectual deficiency.
Pontocerebellar hypoplasia type 6 (PCH6). Identifiers: Orphanet 166073, MedGen C1969084, MONDO:0012683, OMIM 611523.

Allele frequency attached by ClinVar (database versions not stated): gnomAD exomes below 0.00001 and 0.00001.

Submissions (4):

Laboratorio de Genetica e Diagnostico Molecular, Hospital Israelita Albert Einstein
Classification: Uncertain significance for Pontocerebellar hypoplasia type 6. Last evaluated: 2026-02-20. Review status: criteria provided, single submitter. Criteria: ACMG Guidelines, 2015. Collection method: clinical testing. Allele origin: germline. Affected: yes.
Comment: ACMG classification criteria: PM2 supporting, BP4 supporting

GeneDx
Classification: Uncertain significance. Last evaluated: 2025-04-17. Review status: criteria provided, single submitter. Criteria: GeneDx Variant Classification Process June 2021. Collection method: clinical testing. Allele origin: germline. Affected: yes.
Comment: Not observed at significant frequency in large population cohorts (gnomAD); In silico analysis supports that this missense variant has a deleterious effect on protein structure/function; Has not been previously published as pathogenic or benign to our knowledge

Mendelics
Classification: Pathogenic for Pontocerebellar hypoplasia type 6. Last evaluated: 2022-05-04. Review status: criteria provided, single submitter. Criteria: Mendelics Assertion Criteria 2019. Collection method: clinical testing. Allele origin: germline.

Laboratory of Molecular Genetics, CHU Rennes
Classification: Uncertain significance for Severe intellectual deficiency. Review status: no assertion criteria provided. Collection method: clinical testing. Allele origin: paternal. Affected: yes. Not counted in ClinVar's aggregate classification.